The following is an entry in ClinVar:

ClinVar aggregate classification (germline): Pathogenic (1 of 4 stars; one submission).

Submission:

Labcorp Genetics (formerly Invitae), Labcorp
Classification: Pathogenic. Last evaluated: 2023-11-27. Review status: criteria provided, single submitter. Criteria: Invitae Variant Classification Sherloc (09022015). Collection method: clinical testing. Allele origin: germline.
Comment: This sequence change creates a premature translational stop signal (p.Ser2828Leufs*2) in the USH2A gene. It is expected to result in an absent or disrupted protein product. Loss-of-function variants in USH2A are known to be pathogenic (PMID: 10729113, 10909849, 20507924, 25649381). This variant is not present in population databases (gnomAD no frequency). This premature translational stop signal has been observed in individual(s) with Usher syndrome type II (PMID: 19023448). It has also been observed to segregate with disease in related individuals. ClinVar contains an entry for this variant (Variation ID: 1070062). For these reasons, this variant has been classified as Pathogenic.

Literature cited by the submitters: PubMed 10729113; PubMed 10909849; PubMed 20507924; PubMed 25649381; PubMed 19023448.

NM_206933.4(USH2A):c.8482del (p.Ser2828fs)

Gene: USH2A (usherin; minus strand). Cytogenetic location: 1q41.
Variant type: Deletion.
Coding change: c.8482del on transcript NM_206933.4 (MANE Select); coding-DNA position 8482, one base deleted (T; older notation c.8482delT).
Protein change: p.Ser2828fs; shifts the reading frame from serine 2828.
Molecular consequence: frameshift variant.
Genome position (GRCh38, 1-based): chr1:215,878,840, A deleted on the plus strand (T on the coding strand, the reverse complement: USH2A is on the minus strand). VCF-style (leftmost placement, unchanged base first): chr1-215878839-GA-G. GRCh37 (hg19) VCF-style: chr1-216052181-GA-G.
Other names: short protein forms S2828fs.
Identifiers: ClinVar variation 1070062 (VCV001070062.9), dbSNP rs2102451639, ClinGen allele CA2499214477.